The following is an entry in ClinVar:

NM_002661.5(PLCG2):c.3671G>A (p.Arg1224His)

Gene: PLCG2 (phospholipase C gamma 2; plus strand). Cytogenetic location: 16q23.3.
Variant type: single nucleotide variant.
Coding change: c.3671G>A on transcript NM_002661.5 (MANE Select); coding-DNA position 3671, G replaced by A.
Protein change: p.Arg1224His; replaces arginine 1224 with histidine.
Molecular consequence: missense variant.
Genome position (GRCh38, 1-based): chr16:81,956,795, G>A. VCF-style: chr16-81956795-G-A. GRCh37 (hg19) VCF-style: chr16-81990400-G-A.
Other names: short protein forms R1224H.
Identifiers: ClinVar variation 722805 (VCV000722805.44), dbSNP rs370547009, ClinGen allele CA8194800.
Genomic context (GRCh38, chr16:81,956,795, plus strand): 5'-GGAGGCGGCAAGAAGAACTGAACAACCAGCTCTTTCTGTATGACACACACCAGAACTTGC[G>A]CAATGCCAACCGGGATGCCCTGGTTAAAGAGTTCAGTGTTAATGAGAACCAGCTCCAGCT-3'
Protein context (NP_002652.2, residues 1214-1234): LFLYDTHQNL[Arg1224His]NANRDALVKE

ClinVar aggregate classification (germline): Benign/Likely benign. Review status: criteria provided, multiple submitters, no conflicts (2 of 4 stars). 4 submissions from 4 submitters: Benign (1); Likely benign (3). Last evaluated 2026-06-29.

Conditions:
Familial cold autoinflammatory syndrome 3 (FCAS3). Also called: FAMILIAL ATYPICAL COLD URTICARIA; ANTIBODY DEFICIENCY AND IMMUNE DYSREGULATION, PLCG2-ASSOCIATED. Identifiers: Orphanet 300359, MedGen C3280914, MONDO:0013766, OMIM 614468.
PLCG2-related disorder. Also called: PLCG2-related condition.

Allele frequency attached by ClinVar (database versions not stated): 1000 Genomes Project 30x 0.00016; gnomAD exomes 0.00016; 1000 Genomes Project 0.00020; ExAC 0.00021; ESP Exome Variant Server 0.00057; gnomAD 0.00065 and 0.00074; TOPMed 0.00077.
gnomAD v4.1: 192 of 1,614,158 alleles (0.012%); highest among the groups gnomAD compares: African/African-American, 0.21%; no homozygotes.

Submissions (4):

Women's Health and Genetics/Laboratory Corporation of America, LabCorp
Classification: Likely benign. Last evaluated: 2026-06-29. Review status: criteria provided, single submitter. Criteria: LabCorp Variant Classification Summary - May 2015. Collection method: clinical testing. Allele origin: germline.

Labcorp Genetics (formerly Invitae), Labcorp
Classification: Likely benign for Familial cold autoinflammatory syndrome 3. Last evaluated: 2026-01-05. Review status: criteria provided, single submitter. Criteria: Invitae Variant Classification Sherloc (09022015). Collection method: clinical testing. Allele origin: germline.

PreventionGenetics, part of Exact Sciences
Classification: Likely benign for PLCG2-related condition. Last evaluated: 2025-11-11. Review status: criteria provided, single submitter. Criteria: ACMG Guidelines, 2015. Collection method: clinical testing. Allele origin: germline.
Comment: This variant is classified as likely benign based on ACMG/AMP sequence variant interpretation guidelines (Richards et al. 2015 PMID: 25741868, with internal and published modifications).

CeGaT Center for Human Genetics Tuebingen
Classification: Benign. Last evaluated: 2022-03-01. Review status: criteria provided, single submitter. Criteria: CeGaT Center For Human Genetics Tuebingen Variant Classification Criteria Version 2. Collection method: clinical testing. Allele origin: germline. Affected: yes. Observed: 1 variant allele.
Comment: PLCG2: BS1, BS2